The following is an entry in ClinVar:

ClinVar aggregate classification (germline): Uncertain significance. Review status: criteria provided, multiple submitters, no conflicts (2 of 4 stars). 3 submissions from 3 submitters: Uncertain significance (3). Last evaluated 2025-06-22.

Conditions:
Familial sleep-related hypermotor epilepsy. Also called: Autosomal Dominant Sleep-Related Hypermotor (Hyperkinetic) Epilepsy. Identifiers: Orphanet 98784, MedGen C3696898, MONDO:0000030.

Allele frequency attached by ClinVar (database versions not stated): TOPMed 0.00006; gnomAD exomes below 0.00001 and 0.00001; gnomAD 0.00003 and 0.00002.

Submissions (3):

Labcorp Genetics (formerly Invitae), Labcorp
Classification: Uncertain significance. Last evaluated: 2025-06-22. Review status: criteria provided, single submitter. Criteria: Invitae Variant Classification Sherloc (09022015). Collection method: clinical testing. Allele origin: germline.
Comment: This sequence change replaces histidine, which is basic and polar, with aspartic acid, which is acidic and polar, at codon 443 of the CHRNA4 protein (p.His443Asp). This variant is present in population databases (rs796052319, gnomAD 0.01%). This variant has not been reported in the literature in individuals affected with CHRNA4-related conditions. ClinVar contains an entry for this variant (Variation ID: 205027). An algorithm developed to predict the effect of missense changes on protein structure and function (PolyPhen-2) suggests that this variant is likely to be tolerated. In summary, the available evidence is currently insufficient to determine the role of this variant in disease. Therefore, it has been classified as a Variant of Uncertain Significance.

GeneDx
Classification: Uncertain significance. Last evaluated: 2018-09-11. Review status: criteria provided, single submitter. Criteria: GeneDx Variant Classification (06012015). Collection method: clinical testing. Allele origin: germline. Affected: yes.
Comment: p.His443Asp (CAC>GAC): c.1327 C>G in exon 5 of the CHRNA4 gene (NM_000744.5)The His443Asp missense change has not been published as a mutation, nor has it been reported as a benign polymorphism to our knowledge. It was not observed in approximately 6,200 individuals of European and African American ancestry in the NHLBI Exome Sequencing Project, indicating it is not a common benign variant in these populations. This variant is a non-conservative amino acid substitution of a positively charged Histidine residue with a negatively charged Aspartic acid residue. However, His443Asp alters a poorly conserved position in the topological domain of the CHRNA4 protein and in silico analysis predicts this variant likely has a benign effect on the protein structure/function. In addition, the His443Asp amino acid substitution does not occur within the transmembrane region of the protein where most pathogenic missense mutations have been identified in association with epilepsy (Steinlein et al., 2010). Therefore, based on the currently available information, it is unclear whether His443Asp is a disease-causing mutation or a rare benign variant. The variant is found in EPILEPSY panel(s).

Eurofins Ntd Llc (ga)
Classification: Uncertain significance. Last evaluated: 2015-08-06. Review status: criteria provided, single submitter. Criteria: EGL Classification Definitions 2015. Collection method: clinical testing. Allele origin: germline. Observed: 2 variant alleles, 2 heterozygotes.

NM_000744.7(CHRNA4):c.1327C>G (p.His443Asp)

Gene: CHRNA4 (cholinergic receptor nicotinic alpha 4 subunit; minus strand). Cytogenetic location: 20q13.33.
Variant type: single nucleotide variant.
Coding change: c.1327C>G on transcript NM_000744.7 (MANE Select); coding-DNA position 1327, C replaced by G.
Protein change: p.His443Asp; replaces histidine 443 with aspartic acid.
Molecular consequence: missense variant. On other transcripts: non-coding transcript variant (1).
Genome position (GRCh38, 1-based): chr20:63,350,084, G>C on the plus strand (C>G on the coding strand, the complement: CHRNA4 is on the minus strand). VCF-style: chr20-63350084-G-C. GRCh37 (hg19) VCF-style: chr20-61981436-G-C.
Other names: p.H443D:CAC>GAC; c.799C>G, p.His267Asp (NM_001256573.2); short protein forms H443D, H267D.
Identifiers: ClinVar variation 205027 (VCV000205027.15), dbSNP rs796052319, ClinGen allele CA313573.
Genomic context (GRCh38, chr20:63,350,084, plus strand): 5'-CTTTGGCCAGCCCTGGTGCCTGGGTGCCGTGGGGCGGGCGGCAGGGTCCAGGCGAGGGGT[G>C]GGGGCTGGCTTTCTCAGCTTCCAGGGGCTGCTGAGGAGGGAGCTGGTCGGAGGGTGACTT-3'
Protein context (NP_000735.1, residues 433-453): QPLEAEKASP[His443Asp]PSPGPCRPPH